The following is an entry in ClinVar:

ClinVar aggregate classification (germline): Uncertain significance (1 of 4 stars; one submission).

Submission:

GeneDx
Classification: Uncertain significance. Last evaluated: 2025-01-24. Review status: criteria provided, single submitter. Criteria: GeneDx Variant Classification Process June 2021. Collection method: clinical testing. Allele origin: germline. Affected: yes.
Comment: Not observed at significant frequency in large population cohorts (gnomAD); In silico analysis supports that this missense variant has a deleterious effect on protein structure/function; Has not been previously published as pathogenic or benign to our knowledge

NM_198503.5(KCNT2):c.2422A>G (p.Ser808Gly)

Gene: KCNT2 (potassium sodium-activated channel subfamily T member 2; minus strand). Cytogenetic location: 1q31.3.
Variant type: single nucleotide variant.
Coding change: c.2422A>G on transcript NM_198503.5 (MANE Select); coding-DNA position 2422, A replaced by G.
Protein change: p.Ser808Gly; replaces serine 808 with glycine.
Molecular consequence: missense variant. On other transcripts: non-coding transcript variant (2).
Genome position (GRCh38, 1-based): chr1:196,315,953, T>C on the plus strand (A>G on the coding strand, the complement: KCNT2 is on the minus strand). VCF-style: chr1-196315953-T-C. GRCh37 (hg19) VCF-style: chr1-196285083-T-C.
Other names: c.2350A>G, p.Ser784Gly (NM_001287819.3); c.2200A>G, p.Ser734Gly (NM_001287820.3); short protein forms S734G, S784G, S808G.
Identifiers: ClinVar variation 4071734 (VCV004071734.1).